The following is an entry in ClinVar:

ClinVar aggregate classification (germline): Uncertain significance (1 of 4 stars; one submission).

Submission:

Labcorp Genetics (formerly Invitae), Labcorp
Classification: Uncertain significance. Last evaluated: 2023-07-07. Review status: criteria provided, single submitter. Criteria: Invitae Variant Classification Sherloc (09022015). Collection method: clinical testing. Allele origin: germline.
Comment: ClinVar contains an entry for this variant (Variation ID: 1381699). Advanced modeling of protein sequence and biophysical properties (such as structural, functional, and spatial information, amino acid conservation, physicochemical variation, residue mobility, and thermodynamic stability) performed at Invitae indicates that this missense variant is not expected to disrupt DUOX2 protein function. This variant has not been reported in the literature in individuals affected with DUOX2-related conditions. This variant is not present in population databases (gnomAD no frequency). This sequence change replaces arginine, which is basic and polar, with glycine, which is neutral and non-polar, at codon 354 of the DUOX2 protein (p.Arg354Gly). In summary, the available evidence is currently insufficient to determine the role of this variant in disease. Therefore, it has been classified as a Variant of Uncertain Significance.

NM_001363711.2(DUOX2):c.1060C>G (p.Arg354Gly)

Gene: DUOX2 (dual oxidase 2; minus strand). Cytogenetic location: 15q21.1.
Variant type: single nucleotide variant.
Coding change: c.1060C>G on transcript NM_001363711.2 (MANE Select); coding-DNA position 1060, C replaced by G.
Protein change: p.Arg354Gly; replaces arginine 354 with glycine.
Molecular consequence: missense variant.
Genome position (GRCh38, 1-based): chr15:45,109,961, G>C on the plus strand (C>G on the coding strand, the complement: DUOX2 is on the minus strand). VCF-style: chr15-45109961-G-C. GRCh37 (hg19) VCF-style: chr15-45402159-G-C.
Other names: c.1060C>G, p.Arg354Gly (NM_014080.5); short protein forms R354G.
Identifiers: ClinVar variation 1381699 (VCV001381699.4), dbSNP rs766496010, ClinGen allele CA392277468.